The following is an entry in ClinVar:

ClinVar aggregate classification (germline): Uncertain significance (1 of 4 stars; one submission).

Conditions:
Hereditary cancer-predisposing syndrome. Also called: Tumor predisposition; Neoplastic Syndromes, Hereditary; Hereditary neoplastic syndrome; Hereditary Cancer Syndrome. Identifiers: Orphanet 140162, MedGen C0027672, MeSH D009386, MONDO:0015356.

Submission:

Ambry Genetics
Classification: Uncertain significance for Hereditary cancer-predisposing syndrome. Last evaluated: 2025-08-27. Review status: criteria provided, single submitter. Criteria: Ambry Variant Classification Scheme 2023. Collection method: clinical testing. Allele origin: germline.
Comment: The p.T445A variant (also known as c.1333A>G), located in coding exon 14 of the MUTYH gene, results from an A to G substitution at nucleotide position 1333. The threonine at codon 445 is replaced by alanine, an amino acid with similar properties. This amino acid position is conserved. In addition, this alteration is predicted to be tolerated by in silico analysis. Based on the available evidence, the clinical significance of this variant remains unclear.

NM_001048174.2(MUTYH):c.1249A>G (p.Thr417Ala)

Gene: MUTYH (mutY DNA glycosylase; minus strand). Cytogenetic location: 1p34.1.
Variant type: single nucleotide variant.
Coding change: c.1249A>G on transcript NM_001048174.2 (MANE Select); coding-DNA position 1249, A replaced by G.
Protein change: p.Thr417Ala; replaces threonine 417 with alanine.
Molecular consequence: missense variant. On other transcripts: non-coding transcript variant (7).
Genome position (GRCh38, 1-based): chr1:45,331,325, T>C on the plus strand (A>G on the coding strand, the complement: MUTYH is on the minus strand). VCF-style: chr1-45331325-T-C. GRCh37 (hg19) VCF-style: chr1-45796997-T-C.
Other names: c.1249A>G, p.Thr417Ala (NM_001048171.2, NM_001048173.2, NM_001293195.2 and 6 more transcripts); c.1252A>G, p.Thr418Ala (NM_001048172.2, NM_001407071.1, NM_001407078.1 and 1 more transcripts); c.1333A>G, p.Thr445Ala (NM_001128425.2); c.1294A>G, p.Thr432Ala (NM_001293190.2); c.1282A>G, p.Thr428Ala (NM_001293191.2, NM_001407069.1, NM_001407077.1); c.973A>G, p.Thr325Ala (NM_001293192.2, NM_001293196.2, NM_001407091.1); c.1165A>G, p.Thr389Ala (NM_001407075.1); c.1324A>G, p.Thr442Ala (NM_012222.3); and 5 more; short protein forms T302A, T389A, T403A, T431A, T325A, T418A, T428A, T442A.
Identifiers: ClinVar variation 4113183 (VCV004113183.1).